The following is an entry in ClinVar:

NM_001384125.1(BLTP1):c.683A>G (p.Asp228Gly)

Gene: BLTP1 (bridge-like lipid transfer protein family member 1; plus strand). Cytogenetic location: 4q27.
Variant type: single nucleotide variant.
Coding change: c.683A>G on transcript NM_001384125.1 (MANE Select); coding-DNA position 683, A replaced by G.
Protein change: p.Asp228Gly; replaces aspartic acid 228 with glycine.
Molecular consequence: missense variant.
Genome position (GRCh38, 1-based): chr4:122,187,950, A>G. VCF-style: chr4-122187950-A-G. GRCh37 (hg19) VCF-style: chr4-123109105-A-G.
Other names: c.683A>G, p.Asp228Gly (NM_015312.4); short protein forms D228G.
Identifiers: ClinVar variation 451548 (VCV000451548.5), dbSNP rs1553984321, ClinGen allele CA358056827.

ClinVar aggregate classification (germline): Uncertain significance (1 of 4 stars; one submission).

Submission:

GeneDx
Classification: Uncertain significance. Last evaluated: 2024-07-22. Review status: criteria provided, single submitter. Criteria: GeneDx Variant Classification Process June 2021. Collection method: clinical testing. Allele origin: germline. Affected: yes.
Comment: Not observed at significant frequency in large population cohorts (gnomAD); In silico analysis supports that this missense variant has a deleterious effect on protein structure/function; This variant is associated with the following publications: (PMID: 27535533, 30906834, Kang[2023]article)